The following is an entry in ClinVar:

ClinVar aggregate classification (germline): Conflicting classifications of pathogenicity. Review status: criteria provided, conflicting classifications (1 of 4 stars). 6 submissions from 6 submitters: Uncertain significance (4); Likely benign (1). 1 of the submissions does not count toward it. Last evaluated 2025-05-23.

Conditions:
Retinal dystrophy. Also called: Inherited retinal dystrophy. Identifiers: Orphanet 71862, MedGen C0854723, MeSH D058499, MONDO:0019118, HP:0000556.
Retinitis pigmentosa 25 (RP25). Identifiers: Orphanet 791, MedGen C1864446, MONDO:0011272, OMIM 602772.
EYS-related disorder. Also called: EYS-related condition.

Allele frequency attached by ClinVar (database versions not stated): gnomAD 0.00004 and 0.00007; TOPMed 0.00012; ExAC 0.00017; gnomAD exomes 0.00022; 1000 Genomes Project 30x 0.00031; 1000 Genomes Project 0.00040.
gnomAD v4.1: 104 of 1,493,528 alleles (0.007%); highest among the groups gnomAD compares: East Asian, 0.16%; no homozygotes.

Submissions (6):

PreventionGenetics, part of Exact Sciences
Classification: Uncertain significance for EYS-related condition. Last evaluated: 2025-05-23. Review status: criteria provided, single submitter. Criteria: ACMG Guidelines, 2015. Collection method: clinical testing. Allele origin: germline.
Comment: The EYS c.9414T>G variant is predicted to result in the amino acid substitution p.Asp3138Glu. This variant has been reported in an individual with retinitis pigmentosa (Table S5, Huang et al. 2018. PubMed ID: 29641573). This variant is reported in 0.18% of alleles in individuals of East Asian descent in gnomAD. At this time, the clinical significance of this variant is uncertain due to the absence of conclusive functional and genetic evidence.

Labcorp Genetics (formerly Invitae), Labcorp
Classification: Uncertain significance. Last evaluated: 2024-12-16. Review status: criteria provided, single submitter. Criteria: Invitae Variant Classification Sherloc (09022015). Collection method: clinical testing. Allele origin: germline.
Comment: This sequence change replaces aspartic acid, which is acidic and polar, with glutamic acid, which is acidic and polar, at codon 3138 of the EYS protein (p.Asp3138Glu). The frequency data for this variant in the population databases is considered unreliable, as metrics indicate poor data quality at this position in the gnomAD database. This missense change has been observed in individual(s) with retinitis pigmentosa (PMID: 29641573). ClinVar contains an entry for this variant (Variation ID: 964717). Invitae Evidence Modeling of protein sequence and biophysical properties (such as structural, functional, and spatial information, amino acid conservation, physicochemical variation, residue mobility, and thermodynamic stability) has been performed for this missense variant. However, the output from this modeling did not meet the statistical confidence thresholds required to predict the impact of this variant on EYS protein function. In summary, the available evidence is currently insufficient to determine the role of this variant in disease. Therefore, it has been classified as a Variant of Uncertain Significance.

Blueprint Genetics
Classification: Uncertain significance. Last evaluated: 2024-11-11. Review status: criteria provided, single submitter. Criteria: ACMG Guidelines, 2015. Collection method: clinical testing. Allele origin: germline.

Dept Of Ophthalmology, Nagoya University
Classification: Uncertain significance for Retinal dystrophy. Last evaluated: 2023-10-01. Review status: criteria provided, single submitter. Criteria: Submitter's publication. Collection method: research. Allele origin: germline. Affected: yes.

GeneDx
Classification: Likely benign. Last evaluated: 2015-03-03. Review status: criteria provided, single submitter. Criteria: GeneDx Variant Classification Process June 2021. Collection method: clinical testing. Allele origin: germline. Affected: yes.
Comment: See Variant Classification Assertion Criteria.

Natera, Inc.
Classification: Uncertain significance for Retinitis pigmentosa type 25. Last evaluated: 2020-08-05. Review status: no assertion criteria provided. Collection method: clinical testing. Allele origin: germline. Not counted in ClinVar's aggregate classification.

Literature cited by the submitters: PubMed 29641573 (cited by Labcorp Genetics (formerly Invitae), Labcorp).

NM_001142800.2(EYS):c.9414T>G (p.Asp3138Glu)

Genes: EYS (EGF-like photoreceptor maintenance factor; minus strand), PHF3 (PHD finger protein 3; plus strand). Cytogenetic location: 6q12.
Variant type: single nucleotide variant.
Coding change: c.9414T>G on transcript NM_001142800.2 (MANE Select); coding-DNA position 9414, T replaced by G.
Protein change: p.Asp3138Glu; replaces aspartic acid 3138 with glutamic acid.
Molecular consequence: missense variant. On other transcripts: 3 prime UTR variant (5).
Genome position (GRCh38, 1-based): chr6:63,720,617, A>C on the plus strand (T>G on the coding strand, the complement: EYS is on the minus strand). VCF-style: chr6-63720617-A-C. GRCh37 (hg19) VCF-style: chr6-64430513-A-C.
Other names: c.*6909A>C (NM_001290259.2, NM_001370348.2, NM_001370349.2 and 2 more transcripts); c.9477T>G, p.Asp3159Glu (NM_001292009.2); short protein forms D3138E, D3159E.
Identifiers: ClinVar variation 964717 (VCV000964717.10), dbSNP rs374161234, ClinGen allele CA3876666.